The following is an entry in ClinVar:

NM_002599.5(PDE2A):c.745G>A (p.Val249Met)

Gene: PDE2A (phosphodiesterase 2A; minus strand). Cytogenetic location: 11q13.4.
Variant type: single nucleotide variant.
Coding change: c.745G>A on transcript NM_002599.5 (MANE Select); coding-DNA position 745, G replaced by A.
Protein change: p.Val249Met; replaces valine 249 with methionine.
Molecular consequence: missense variant.
Genome position (GRCh38, 1-based): chr11:72,590,203, C>T on the plus strand (G>A on the coding strand, the complement: PDE2A is on the minus strand). VCF-style: chr11-72590203-C-T. GRCh37 (hg19) VCF-style: chr11-72301247-C-T.
Other names: c.724G>A, p.Val242Met (NM_001143839.4); c.718G>A, p.Val240Met (NM_001146209.3); c.682G>A, p.Val228Met (NM_001243784.2); short protein forms V240M, V242M, V228M, V249M.
Identifiers: ClinVar variation 1474403 (VCV001474403.5), dbSNP rs1172517185, ClinGen allele CA381764966.

ClinVar aggregate classification (germline): Uncertain significance (1 of 4 stars; one submission).

Allele frequency attached by ClinVar (database versions not stated): TOPMed below 0.00001; gnomAD 0.00001; gnomAD exomes 0.00001.
gnomAD v4.1: 11 of 1,551,418 alleles (0.00071%); highest among the groups gnomAD compares: Non-Finnish European, 0.00087%; no homozygotes.

Submission:

Labcorp Genetics (formerly Invitae), Labcorp
Classification: Uncertain significance. Last evaluated: 2023-03-26. Review status: criteria provided, single submitter. Criteria: Invitae Variant Classification Sherloc (09022015). Collection method: clinical testing. Allele origin: germline.
Comment: This sequence change replaces valine, which is neutral and non-polar, with methionine, which is neutral and non-polar, at codon 249 of the PDE2A protein (p.Val249Met). The frequency data for this variant in the population databases is considered unreliable, as metrics indicate poor data quality at this position in the gnomAD database. This variant has not been reported in the literature in individuals affected with PDE2A-related conditions. ClinVar contains an entry for this variant (Variation ID: 1474403). An algorithm developed to predict the effect of missense changes on protein structure and function (PolyPhen-2) suggests that this variant is likely to be disruptive. In summary, the available evidence is currently insufficient to determine the role of this variant in disease. Therefore, it has been classified as a Variant of Uncertain Significance.